The following is an entry in ClinVar:

ClinVar aggregate classification (germline): Benign (1 of 4 stars; one submission).

Allele frequency attached by ClinVar (database versions not stated): 1000 Genomes Project 30x 0.00312; 1000 Genomes Project 0.00319; TOPMed 0.00691; gnomAD 0.00701; ExAC 0.00841; ESP Exome Variant Server 0.00945; gnomAD exomes 0.01016.
gnomAD v4.1: 15,184 of 1,550,152 alleles (0.98%); highest among the groups gnomAD compares: Non-Finnish European, 1.2%; 98 homozygotes.

Submission:

CeGaT Center for Human Genetics Tuebingen
Classification: Benign. Last evaluated: 2022-08-01. Review status: criteria provided, single submitter. Criteria: CeGaT Center For Human Genetics Tuebingen Variant Classification Criteria Version 2. Collection method: clinical testing. Allele origin: germline. Affected: yes. Observed: 1 variant allele.
Comment: TRPM7: BS1, BS2

NM_017672.6(TRPM7):c.660+21T>G

Gene: TRPM7 (transient receptor potential cation channel subfamily M member 7; minus strand). Cytogenetic location: 15q21.2.
Variant type: single nucleotide variant.
Coding change: c.660+21T>G on transcript NM_017672.6 (MANE Select); 21 bases into the intron after coding-DNA position 660, T replaced by G.
Molecular consequence: intron variant.
Genome position (GRCh38, 1-based): chr15:50,639,403, A>C on the plus strand (T>G on the coding strand, the complement: TRPM7 is on the minus strand). VCF-style: chr15-50639403-A-C. GRCh37 (hg19) VCF-style: chr15-50931600-A-C.
Other names: c.660+21T>G (NM_001301212.2).
Identifiers: ClinVar variation 2645331 (VCV002645331.24), dbSNP rs117177807, ClinGen allele CA7557927.